The following is an entry in ClinVar:

NM_006904.7(PRKDC):c.1826C>T (p.Ala609Val)

Gene: PRKDC (protein kinase, DNA-activated, catalytic subunit; minus strand). Cytogenetic location: 8q11.21.
Variant type: single nucleotide variant.
Coding change: c.1826C>T on transcript NM_006904.7 (MANE Select); coding-DNA position 1826, C replaced by T.
Protein change: p.Ala609Val; replaces alanine 609 with valine.
Molecular consequence: missense variant.
Genome position (GRCh38, 1-based): chr8:47,930,738, G>A on the plus strand (C>T on the coding strand, the complement: PRKDC is on the minus strand). VCF-style: chr8-47930738-G-A. GRCh37 (hg19) VCF-style: chr8-48843298-G-A.
Other names: c.1826C>T, p.Ala609Val (NM_001081640.2); short protein forms A609V.
Identifiers: ClinVar variation 1369077 (VCV001369077.7), dbSNP rs761291525, ClinGen allele CA4741627.

ClinVar aggregate classification (germline): Uncertain significance. Review status: criteria provided, multiple submitters, no conflicts (2 of 4 stars). 2 submissions from 2 submitters: Uncertain significance (2). Last evaluated 2022-05-10.

Conditions:
Severe combined immunodeficiency due to DNA-PKcs deficiency. Also called: IMMUNODEFICIENCY 26 WITH NEUROLOGIC ABNORMALITIES; Immunodeficiency 26 with or without neurologic abnormalities. Identifiers: Orphanet 317425, MedGen C4014833, MONDO:0014423, OMIM 615966.

Allele frequency attached by ClinVar (database versions not stated): TOPMed below 0.00001; gnomAD 0.00001.
gnomAD v4.1: 13 of 1,591,268 alleles (0.00082%); highest among the groups gnomAD compares: East Asian, 0.0068%; no homozygotes.

Submissions (2):

Labcorp Genetics (formerly Invitae), Labcorp
Classification: Uncertain significance for Severe combined immunodeficiency due to DNA-PKcs deficiency. Last evaluated: 2022-05-10. Review status: criteria provided, single submitter. Criteria: Invitae Variant Classification Sherloc (09022015). Collection method: clinical testing. Allele origin: germline.
Comment: The frequency data for this variant in the population databases is considered unreliable, as metrics indicate poor data quality at this position in the gnomAD database. This sequence change replaces alanine, which is neutral and non-polar, with valine, which is neutral and non-polar, at codon 609 of the PRKDC protein (p.Ala609Val). This variant has not been reported in the literature in individuals affected with PRKDC-related conditions. In summary, the available evidence is currently insufficient to determine the role of this variant in disease. Therefore, it has been classified as a Variant of Uncertain Significance. Experimental studies and prediction algorithms are not available or were not evaluated, and the functional significance of this variant is currently unknown.

Women's Health and Genetics/Laboratory Corporation of America, LabCorp
Classification: Uncertain significance. Last evaluated: 2022-03-18. Review status: criteria provided, single submitter. Criteria: LabCorp Variant Classification Summary - May 2015. Collection method: clinical testing. Allele origin: germline.